The following is an entry in ClinVar:

NM_017433.5(MYO3A):c.644C>T (p.Ser215Phe)

Gene: MYO3A (myosin IIIA; plus strand). Cytogenetic location: 10p12.1.
Variant type: single nucleotide variant.
Coding change: c.644C>T on transcript NM_017433.5 (MANE Select); coding-DNA position 644, C replaced by T.
Protein change: p.Ser215Phe; replaces serine 215 with phenylalanine.
Molecular consequence: missense variant.
Genome position (GRCh38, 1-based): chr10:26,021,561, C>T. VCF-style: chr10-26021561-C-T. GRCh37 (hg19) VCF-style: chr10-26310490-C-T.
Other names: c.644C>T, p.Ser215Phe (NM_001368265.1); short protein forms S215F.
Identifiers: ClinVar variation 2699372 (VCV002699372.3), dbSNP rs749600266, ClinGen allele CA376332768.
Genomic context (GRCh38, chr10:26,021,561, plus strand): 5'-AGGTGATTGCATGTGAACAGCAATTGGATACCACTTATGACGCCAGATGTGACACTTGGT[C>T]CCTGGGTATCACGGCCATTGAGCTGGGTGATGGAGATCCTCCACTAGCTGACCTTCATCC-3'
Protein context (NP_059129.3, residues 205-225): TTYDARCDTW[Ser215Phe]LGITAIELGD

ClinVar aggregate classification (germline): Uncertain significance (1 of 4 stars; one submission).

Submission:

Labcorp Genetics (formerly Invitae), Labcorp
Classification: Uncertain significance. Last evaluated: 2024-01-16. Review status: criteria provided, single submitter. Criteria: Invitae Variant Classification Sherloc (09022015). Collection method: clinical testing. Allele origin: germline.
Comment: This sequence change replaces serine, which is neutral and polar, with phenylalanine, which is neutral and non-polar, at codon 215 of the MYO3A protein (p.Ser215Phe). This variant is not present in population databases (gnomAD no frequency). This variant has not been reported in the literature in individuals affected with MYO3A-related conditions. An algorithm developed to predict the effect of missense changes on protein structure and function (PolyPhen-2) suggests that this variant is likely to be disruptive. In summary, the available evidence is currently insufficient to determine the role of this variant in disease. Therefore, it has been classified as a Variant of Uncertain Significance.